The following is an entry in ClinVar:

NM_006949.4(STXBP2):c.765T>G (p.Asp255Glu)

Gene: STXBP2 (syntaxin binding protein 2; plus strand). Cytogenetic location: 19p13.2.
Variant type: single nucleotide variant.
Coding change: c.765T>G on transcript NM_006949.4 (MANE Select); coding-DNA position 765, T replaced by G.
Protein change: p.Asp255Glu; replaces aspartic acid 255 with glutamic acid.
Molecular consequence: missense variant. On other transcripts: non-coding transcript variant (1).
Genome position (GRCh38, 1-based): chr19:7,642,304, T>G. VCF-style: chr19-7642304-T-G. GRCh37 (hg19) VCF-style: chr19-7707190-T-G.
Other names: c.756T>G, p.Asp252Glu (NM_001127396.3); c.798T>G, p.Asp266Glu (NM_001272034.2); short protein forms D252E, D266E, D255E.
Identifiers: ClinVar variation 1355021 (VCV001355021.8), dbSNP rs2146217996, ClinGen allele CA403158915.

ClinVar aggregate classification (germline): Uncertain significance (1 of 4 stars; one submission).

Conditions:
Familial hemophagocytic lymphohistiocytosis 5. Also called: STXBP2-Related Familial Hemophagocytic Lymphohistiocytosis (STXBP2-fHLH). Identifiers: Orphanet 540, MedGen C2751293, MONDO:0013135, OMIM 613101.

Submission:

Labcorp Genetics (formerly Invitae), Labcorp
Classification: Uncertain significance for Familial hemophagocytic lymphohistiocytosis 5. Last evaluated: 2021-03-28. Review status: criteria provided, single submitter. Criteria: Invitae Variant Classification Sherloc (09022015). Collection method: clinical testing. Allele origin: germline.
Comment: In summary, the available evidence is currently insufficient to determine the role of this variant in disease. Therefore, it has been classified as a Variant of Uncertain Significance. Algorithms developed to predict the effect of missense changes on protein structure and function are either unavailable or do not agree on the potential impact of this missense change (SIFT: "Deleterious"; PolyPhen-2: "Probably Damaging"; Align-GVGD: "Class C0"). This variant has not been reported in the literature in individuals with STXBP2-related conditions. This variant is not present in population databases (ExAC no frequency). This sequence change replaces aspartic acid with glutamic acid at codon 255 of the STXBP2 protein (p.Asp255Glu). The aspartic acid residue is highly conserved and there is a small physicochemical difference between aspartic acid and glutamic acid.